The following is an entry in ClinVar:

ClinVar aggregate classification (germline): Uncertain significance (1 of 4 stars; one submission).

Conditions:
Familial hypobetalipoproteinemia 1. Also called: APOB-Related Familial Hypobetalipoproteinemia; Hypobetalipoproteinemia, normotriglyceridemic; Acanthocytosis with hypobetalipoproteinemia. Identifiers: MedGen C4551990, MONDO:0014252, OMIM 615558.
Hypercholesterolemia, autosomal dominant, type B (FHCL2). Also called: APOLIPOPROTEIN B-100, FAMILIAL DEFECTIVE; APOLIPOPROTEIN B-100, FAMILIAL LIGAND-DEFECTIVE; HYPERCHOLESTEROLEMIA, FAMILIAL, DUE TO LIGAND-DEFECTIVE APOLIPOPROTEIN B; Hyperlipoproteinemia Type IIb; Familial hypercholesterolemia 2; Familial Hypercholesterolemia Type B. Identifiers: MedGen C1704417, MONDO:0007751, OMIM 144010.

gnomAD v4.1: 4 of 1,614,032 alleles (0.00025%); highest among the groups gnomAD compares: South Asian, 0.0011%; no homozygotes.

Submission:

Labcorp Genetics (formerly Invitae), Labcorp
Classification: Uncertain significance for Familial hypobetalipoproteinemia 1; Hypercholesterolemia, autosomal dominant, type B. Last evaluated: 2021-08-27. Review status: criteria provided, single submitter. Criteria: Invitae Variant Classification Sherloc (09022015). Collection method: clinical testing. Allele origin: germline.
Comment: This sequence change replaces isoleucine with threonine at codon 2322 of the APOB protein (p.Ile2322Thr). The isoleucine residue is weakly conserved and there is a moderate physicochemical difference between isoleucine and threonine. This variant is not present in population databases (ExAC no frequency). This missense change has been observed in individual(s) with clinical features of familial hypercholesterolemia (Invitae). Algorithms developed to predict the effect of missense changes on protein structure and function output the following: SIFT: "Tolerated"; PolyPhen-2: "Benign"; Align-GVGD: "Class C0". The threonine amino acid residue is found in multiple mammalian species, which suggests that this missense change does not adversely affect protein function. In summary, the available evidence is currently insufficient to determine the role of this variant in disease. Therefore, it has been classified as a Variant of Uncertain Significance.

NM_000384.3(APOB):c.6965T>C (p.Ile2322Thr)

Gene: APOB (apolipoprotein B; minus strand). Cytogenetic location: 2p24.1.
Variant type: single nucleotide variant.
Coding change: c.6965T>C on transcript NM_000384.3 (MANE Select); coding-DNA position 6965, T replaced by C.
Protein change: p.Ile2322Thr; replaces isoleucine 2322 with threonine.
Molecular consequence: missense variant.
Genome position (GRCh38, 1-based): chr2:21,009,903, A>G on the plus strand (T>C on the coding strand, the complement: APOB is on the minus strand). VCF-style: chr2-21009903-A-G. GRCh37 (hg19) VCF-style: chr2-21232775-A-G.
Other names: short protein forms I2322T.
Identifiers: ClinVar variation 1026969 (VCV001026969.8), dbSNP rs1558563854, ClinGen allele CA346000071.
Genomic context (GRCh38, chr2:21,009,903, plus strand): 5'-TGGACTTTGGCTCTGAAGGCATTGATTTTCTCAGCTACTTCAAAATCCCCAATAAGATTT[A>G]TAACAAAGTGTTTGACATGCTCAAGAATGTCATTTATTCTTTCAAATGAAATTGTAGTTC-3'
Protein context (NP_000375.3, residues 2312-2332): DILEHVKHFV[Ile2322Thr]NLIGDFEVAE